The following is an entry in ClinVar:

NM_001369.3(DNAH5):c.128T>C (p.Ile43Thr)

Gene: DNAH5 (dynein axonemal heavy chain 5; minus strand). Cytogenetic location: 5p15.2.
Variant type: single nucleotide variant.
Coding change: c.128T>C on transcript NM_001369.3 (MANE Select); coding-DNA position 128, T replaced by C.
Protein change: p.Ile43Thr; replaces isoleucine 43 with threonine.
Molecular consequence: missense variant.
Genome position (GRCh38, 1-based): chr5:13,931,174, A>G on the plus strand (T>C on the coding strand, the complement: DNAH5 is on the minus strand). VCF-style: chr5-13931174-A-G. GRCh37 (hg19) VCF-style: chr5-13931283-A-G.
Other names: short protein forms I43T.
Identifiers: ClinVar variation 573839 (VCV000573839.11), dbSNP rs767228474, ClinGen allele CA3205277.

ClinVar aggregate classification (germline): Uncertain significance. Review status: criteria provided, multiple submitters, no conflicts (2 of 4 stars). 3 submissions from 3 submitters: Uncertain significance (2). 1 of the submissions does not count toward it. Last evaluated 2022-09-02.

Conditions:
Primary ciliary dyskinesia. Also called: Ciliary dyskinesia. Identifiers: Orphanet 244, MedGen C0008780, MONDO:0016575, HP:0012265.

Allele frequency attached by ClinVar (database versions not stated): gnomAD exomes below 0.00001 and 0.00001; ExAC 0.00001; gnomAD 0.00002 and 0.00003; TOPMed 0.00002.
gnomAD v4.1: 22 of 1,614,130 alleles (0.0014%); highest among the groups gnomAD compares: East Asian, 0.0022%; no homozygotes.

Submissions (3):

GeneDx
Classification: Uncertain significance. Last evaluated: 2022-09-02. Review status: criteria provided, single submitter. Criteria: GeneDx Variant Classification Process June 2021. Collection method: clinical testing. Allele origin: germline. Affected: yes.
Comment: Not observed at significant frequency in large population cohorts (gnomAD); In silico analysis supports that this missense variant does not alter protein structure/function; Has not been previously published as pathogenic or benign to our knowledge

Labcorp Genetics (formerly Invitae), Labcorp
Classification: Uncertain significance for Primary ciliary dyskinesia. Last evaluated: 2021-08-24. Review status: criteria provided, single submitter. Criteria: Invitae Variant Classification Sherloc (09022015). Collection method: clinical testing. Allele origin: germline.
Comment: This sequence change replaces isoleucine with threonine at codon 43 of the DNAH5 protein (p.Ile43Thr). The isoleucine residue is highly conserved and there is a moderate physicochemical difference between isoleucine and threonine. This variant is present in population databases (rs767228474, ExAC 0.001%). This variant has not been reported in the literature in individuals affected with DNAH5-related conditions. Algorithms developed to predict the effect of missense changes on protein structure and function are either unavailable or do not agree on the potential impact of this missense change (SIFT: "Deleterious"; PolyPhen-2: "Benign"; Align-GVGD: "Class C0"). In summary, the available evidence is currently insufficient to determine the role of this variant in disease. Therefore, it has been classified as a Variant of Uncertain Significance.

Natera, Inc.
Classification: Uncertain significance for Primary ciliary dyskinesia. Last evaluated: 2020-11-05. Review status: no assertion criteria provided. Collection method: clinical testing. Allele origin: germline. Not counted in ClinVar's aggregate classification.